The following is an entry in ClinVar:

ClinVar aggregate classification (germline): Likely benign (1 of 4 stars; one submission).

Submission:

CeGaT Center for Human Genetics Tuebingen
Classification: Likely benign. Last evaluated: 2023-01-01. Review status: criteria provided, single submitter. Criteria: CeGaT Center For Human Genetics Tuebingen Variant Classification Criteria Version 2. Collection method: clinical testing. Allele origin: germline. Affected: yes. Observed: 1 variant allele.
Comment: ANKRD20A1: BS2

NM_032250.5(ANKRD20A1):c.1858C>T (p.His620Tyr)

Gene: ANKRD20A1 (ankyrin repeat domain 20 family member A1; plus strand). Cytogenetic location: 9q21.11.
Variant type: single nucleotide variant.
Coding change: c.1858C>T on transcript NM_032250.5 (MANE Select); coding-DNA position 1858, C replaced by T.
Protein change: p.His620Tyr; replaces histidine 620 with tyrosine.
Molecular consequence: missense variant.
Genome position (GRCh38, 1-based): chr9:67,900,853, C>T. VCF-style: chr9-67900853-C-T. GRCh37 (hg19) VCF-style: chr9-67968299-C-T.
Other names: short protein forms H620Y.
Identifiers: ClinVar variation 2659229 (VCV002659229.24), dbSNP rs202010990, ClinGen allele CA193927861.